The following is an entry in ClinVar:

ClinVar aggregate classification (germline): Pathogenic (1 of 4 stars; one submission).

Conditions:
Polydactyly, postaxial, type A1. Identifiers: MedGen C4282400, MONDO:0008266, OMIM 174200.
Greig cephalopolysyndactyly syndrome (GCPS). Also called: POLYSYNDACTYLY WITH PECULIAR SKULL SHAPE; Greig syndrome; GLI3-Related Greig Cephalopolysyndactyly Syndrome. Identifiers: Orphanet 380, MedGen C0265306, MONDO:0008287, OMIM 175700.
Pallister-Hall syndrome (PHS). Also called: HYPOTHALAMIC HAMARTOBLASTOMA, HYPOPITUITARISM, IMPERFORATE ANUS, AND POSTAXIAL POLYDACTYLY; GLI3-Related Pallister-Hall Syndrome. Identifiers: Orphanet 672, MedGen C0265220, MONDO:0007804, OMIM 146510.
Polysyndactyly 4. Also called: Polysyndactyly uncomplicated; Preaxial polydactyly 4. Identifiers: Orphanet 93338, MedGen C1868111, MONDO:0008272, OMIM 174700.

Submission:

Juno Genomics, Hangzhou Juno Genomics, Inc
Classification: Pathogenic for Greig cephalopolysyndactyly syndrome; Pallister-Hall syndrome; Polydactyly, postaxial, type A1; Polysyndactyly 4. Review status: criteria provided, single submitter. Criteria: ACMG Guidelines, 2015. Collection method: clinical testing. Allele origin: germline. Affected: yes.
Comment: Absent from controls (or at extremely low frequency if recessive) in Genome Aggregation Database, Exome Sequencing Project, 1000 Genomes Project, or Exome Aggregation Consortium.;Null variant in a gene where loss of function (LOF) is a known mechanism of disease.;Patient's phenotype or family history is highly specific for a disease with a single genetic etiology.

NM_000168.6(GLI3):c.999_1002dup (p.Gly335fs)

Gene: GLI3 (GLI family zinc finger 3; minus strand). Cytogenetic location: 7p14.1.
Variant type: Duplication.
Coding change: c.999_1002dup on transcript NM_000168.6 (MANE Select); coding-DNA positions 999 to 1002, 4 bases duplicated (CTAT; older notation c.999_1002dupCTAT).
Protein change: p.Gly335fs; shifts the reading frame from glycine 335.
Molecular consequence: frameshift variant.
Genome position (GRCh38, 1-based): chr7:42,040,064-42,040,067, ATAG duplicated on the plus strand (CTAT on the coding strand, the reverse complement: GLI3 is on the minus strand). VCF-style (leftmost placement, unchanged base first): chr7-42040063-C-CATAG. GRCh37 (hg19) VCF-style: chr7-42079662-C-CATAG.
Other names: short protein forms G335fs.
Identifiers: ClinVar variation 3392509 (VCV003392509.2).
Genomic context (GRCh38, chr7:42,040,063, plus strand): 5'-TAAAAAACACATAATGGATTCAGGAAAATACATACCTGATTGCACTTGCAGATAAGTGAC[C>CATAG]ATAGGAGCCACTTGCTGAAGAGCTGCTACGGGAATTATTGAGAATCGTGACCAAGGAGTT-3'